The following is an entry in ClinVar:

NM_002227.4(JAK1):c.2403+5G>A

Gene: JAK1 (Janus kinase 1; minus strand). Cytogenetic location: 1p31.3.
Variant type: single nucleotide variant.
Coding change: c.2403+5G>A on transcript NM_002227.4 (MANE Select); 5 bases into the intron after coding-DNA position 2403, G replaced by A.
Molecular consequence: intron variant.
Genome position (GRCh38, 1-based): chr1:64,844,059, C>T on the plus strand (G>A on the coding strand, the complement: JAK1 is on the minus strand). VCF-style: chr1-64844059-C-T. GRCh37 (hg19) VCF-style: chr1-65309742-C-T.
Other names: c.2403+5G>A (NM_001321852.2, NM_001321854.2, NM_001321853.2 and 3 more transcripts); c.2400+5G>A (NM_001321857.2).
Identifiers: ClinVar variation 2967299 (VCV002967299.3), dbSNP rs1381065163, ClinGen allele CA523587584.
Genomic context (GRCh38, chr1:64,844,059, plus strand): 5'-CCTGGGAAGCCCACGAGCACCTGAAAGCCCTCACTTGCCTCACGCCCCGGGAAACACCTG[C>T]TCACCTCAATCAGCGTCTTGTCTTTCAAGGGGATCTCGCCATTGTAGCAGATTTCCCAGA-3'

ClinVar aggregate classification (germline): Uncertain significance (1 of 4 stars; one submission).

Allele frequency attached by ClinVar (database versions not stated): TOPMed below 0.00001; gnomAD exomes 0.00001.
gnomAD v4.1: 3 of 1,613,904 alleles (0.00019%); highest among the groups gnomAD compares: Admixed American, 0.005%; no homozygotes.

Submission:

Labcorp Genetics (formerly Invitae), Labcorp
Classification: Uncertain significance. Last evaluated: 2024-08-08. Review status: criteria provided, single submitter. Criteria: Invitae Variant Classification Sherloc (09022015). Collection method: clinical testing. Allele origin: germline.
Comment: This sequence change falls in intron 17 of the JAK1 gene. It does not directly change the encoded amino acid sequence of the JAK1 protein. It affects a nucleotide within the consensus splice site. The frequency data for this variant in the population databases is considered unreliable, as metrics indicate poor data quality at this position in the gnomAD database. This variant has not been reported in the literature in individuals affected with JAK1-related conditions. Variants that disrupt the consensus splice site are a relatively common cause of aberrant splicing (PMID: 17576681, 9536098). Algorithms developed to predict the effect of sequence changes on RNA splicing suggest that this variant is not likely to affect RNA splicing. In summary, the available evidence is currently insufficient to determine the role of this variant in disease. Therefore, it has been classified as a Variant of Uncertain Significance.

Literature cited by the submitters: PubMed 17576681; PubMed 9536098.